The following is an entry in ClinVar:

NM_000709.4(BCKDHA):c.995+9C>T

Gene: BCKDHA (branched chain keto acid dehydrogenase E1 subunit alpha; plus strand). Cytogenetic location: 19q13.2.
Variant type: single nucleotide variant.
Coding change: c.995+9C>T on transcript NM_000709.4 (MANE Select); 9 bases into the intron after coding-DNA position 995, C replaced by T.
Molecular consequence: intron variant.
Genome position (GRCh38, 1-based): chr19:41,422,779, C>T. VCF-style: chr19-41422779-C-T. GRCh37 (hg19) VCF-style: chr19-41928684-C-T.
Other names: c.992+9C>T (NM_001164783.2).
Identifiers: ClinVar variation 93388 (VCV000093388.23), dbSNP rs13343330, ClinGen allele CA146883.

ClinVar aggregate classification (germline): Benign. Review status: criteria provided, multiple submitters, no conflicts (2 of 4 stars). 6 submissions from 6 submitters: Benign (5). 1 of the submissions does not count toward it. Last evaluated 2026-01-28.

Conditions:
Maple syrup urine disease (MSUD). Identifiers: Orphanet 511, MedGen C0024776, MeSH D008375, MONDO:0009563. Disease mechanism: loss of function.
Maple syrup urine disease type 1A (MSUD1A). Also called: MSUD type 1A. Identifiers: MedGen C1855369, MONDO:0023691, OMIM 248600.

Allele frequency attached by ClinVar (database versions not stated): gnomAD exomes 0.00074 and 0.00169; ExAC 0.00212; gnomAD 0.00694 and 0.00750; TOPMed 0.00701; ESP Exome Variant Server 0.00769; 1000 Genomes Project 0.00779; 1000 Genomes Project 30x 0.00874.
gnomAD v4.1: 2,163 of 1,612,784 alleles (0.13%); highest among the groups gnomAD compares: African/African-American, 2.6%; 37 homozygotes.

Submissions (6):

Labcorp Genetics (formerly Invitae), Labcorp
Classification: Benign for Maple syrup urine disease. Last evaluated: 2026-01-28. Review status: criteria provided, single submitter. Criteria: Invitae Variant Classification Sherloc (09022015). Collection method: clinical testing. Allele origin: germline.

Illumina Laboratory Services, Illumina
Classification: Benign for Maple syrup urine disease type 1A. Last evaluated: 2018-01-13. Review status: criteria provided, single submitter. Criteria: ICSL Variant Classification Criteria 13 December 2019. Collection method: clinical testing. Allele origin: germline.
Comment: This variant was observed in the ICSL laboratory as part of a predisposition screen in an ostensibly healthy population. It had not been previously curated by ICSL or reported in the Human Gene Mutation Database (HGMD: prior to June 1st, 2018), and was therefore a candidate for classification through an automated scoring system. Utilizing variant allele frequency, disease prevalence and penetrance estimates, and inheritance mode, an automated score was calculated to assess if this variant is too frequent to cause the disease. Based on the score and internal cut-off values, a variant classified as benign is not then subjected to further curation. The score for this variant resulted in a classification of benign for this disease.

GeneDx
Classification: Benign. Last evaluated: 2016-07-27. Review status: criteria provided, single submitter. Criteria: GeneDx Variant Classification (06012015). Collection method: clinical testing. Allele origin: germline. Affected: yes.
Comment: This variant is considered likely benign or benign based on one or more of the following criteria: it is a conservative change, it occurs at a poorly conserved position in the protein, it is predicted to be benign by multiple in silico algorithms, and/or has population frequency not consistent with disease.

Eurofins Ntd Llc (ga)
Classification: Benign. Last evaluated: 2013-08-23. Review status: criteria provided, single submitter. Criteria: EGL Classification Definitions 2015. Collection method: clinical testing. Allele origin: germline. Observed: 2 variant alleles, 2 heterozygotes.

Breakthrough Genomics
Classification: Benign. Review status: criteria provided, single submitter. Criteria: ACMG Guidelines, 2015. Collection method: not provided. Allele origin: germline. Inheritance: Autosomal recessive inheritance. Affected: yes.

Natera, Inc.
Classification: Benign for Maple syrup urine disease type 1A. Last evaluated: 2020-09-16. Review status: no assertion criteria provided. Collection method: clinical testing. Allele origin: germline. Not counted in ClinVar's aggregate classification.